The following is an entry in ClinVar:

ClinVar aggregate classification (germline): Likely pathogenic (1 of 4 stars; one submission).

Conditions:
Retinal cone dystrophy 4 (RCD4). Identifiers: Orphanet 1872, MedGen C1864849, MONDO:0012507, OMIM 610478.

Submission:

Variantyx, Inc.
Classification: Likely pathogenic for Retinal cone dystrophy 4. Last evaluated: 2025-06-25. Review status: criteria provided, single submitter. Criteria: Variantyx Assertion Criteria 2022. Collection method: clinical testing. Allele origin: germline. Inheritance: Autosomal recessive inheritance.
Comment: This is a frameshift variant in the CACNA2D4 gene (OMIM: 608171). Pathogenic variants in this gene have been associated with autosomal recessive retinal cone dystrophy 4. The alteration introduces a premature termination codon in exon 11 out of 38 and is expected to result in loss of function, which is a known disease mechanism for CACNA2D4 in this disorder (PMID: 16877424, 17033974, 26560832) (PVS1). This variant is absent from control populations (PM2). Based on the current evidence, this variant is classified as likely pathogenic for autosomal recessive Retinal cone dystrophy 4.A

Literature cited by the submitters: PubMed 16877424; PubMed 17033974; PubMed 26560832.

NM_172364.5(CACNA2D4):c.1178del (p.Gly393fs)

Gene: CACNA2D4 (calcium voltage-gated channel auxiliary subunit alpha2delta 4; minus strand). Cytogenetic location: 12p13.33.
Variant type: Deletion.
Coding change: c.1178del on transcript NM_172364.5 (MANE Select); coding-DNA position 1178, one base deleted (G; older notation c.1178delG).
Protein change: p.Gly393fs; shifts the reading frame from glycine 393.
Molecular consequence: frameshift variant.
Genome position (GRCh38, 1-based): chr12:1,884,862, C deleted on the plus strand (G on the coding strand, the reverse complement: CACNA2D4 is on the minus strand); the first of 2 consecutive C bases (chr12:1,884,862-1,884,863); deleting either gives the same sequence. VCF-style (leftmost placement, unchanged base first): chr12-1884861-TC-T. GRCh37 (hg19) VCF-style: chr12-1994027-TC-T.
Other names: short protein forms G393fs.
Identifiers: ClinVar variation 4850162 (VCV004850162.1).